The following is an entry in ClinVar:

ClinVar aggregate classification (germline): Conflicting classifications of pathogenicity. Review status: criteria provided, conflicting classifications (1 of 4 stars). 4 submissions from 4 submitters: Uncertain significance (1); Likely benign (3). Last evaluated 2026-08-01.

Conditions:
Myoglobinuria, acute recurrent, autosomal recessive. Also called: Myoglobinuria, recurrent, autosomal recessive; MYOGLOBINURIA, FAMILIAL PAROXYSMAL PARALYTIC; RHABDOMYOLYSIS, ACUTE RECURRENT. Identifiers: Orphanet 99845, MedGen C1849386, MONDO:0009992, OMIM 268200.

Allele frequency attached by ClinVar (database versions not stated): ESP Exome Variant Server 0.00038; TOPMed 0.00058; ExAC 0.00060; gnomAD exomes 0.00067 and 0.00144; gnomAD 0.00070 and 0.00071; 1000 Genomes Project 30x 0.00078; 1000 Genomes Project 0.00080.
gnomAD v4.1: 2,168 of 1,614,032 alleles (0.13%); highest among the groups gnomAD compares: Non-Finnish European, 0.17%; 3 homozygotes.

Submissions (4):

CeGaT Center for Human Genetics Tuebingen
Classification: Likely benign. Last evaluated: 2026-08-01. Review status: criteria provided, single submitter. Criteria: CeGaT Center For Human Genetics Tuebingen Variant Classification Criteria Version 2. Collection method: clinical testing. Allele origin: germline. Affected: yes. Observed: 4 variant alleles.
Comment: LPIN1: BP4, BP7

Labcorp Genetics (formerly Invitae), Labcorp
Classification: Likely benign. Last evaluated: 2026-01-05. Review status: criteria provided, single submitter. Criteria: Invitae Variant Classification Sherloc (09022015). Collection method: clinical testing. Allele origin: germline.

Blueprint Genetics
Classification: Likely benign. Last evaluated: 2024-11-21. Review status: criteria provided, single submitter. Criteria: ACMG Guidelines, 2015. Collection method: clinical testing. Allele origin: germline.

Illumina Laboratory Services, Illumina
Classification: Uncertain significance for Myoglobinuria, acute recurrent, autosomal recessive. Last evaluated: 2018-01-13. Review status: criteria provided, single submitter. Criteria: ICSL Variant Classification Criteria 13 December 2019. Collection method: clinical testing. Allele origin: germline.

NM_001349206.2(LPIN1):c.2661G>A (p.Pro887=)

Gene: LPIN1 (lipin 1; plus strand). Cytogenetic location: 2p25.1.
Variant type: single nucleotide variant.
Coding change: c.2661G>A on transcript NM_001349206.2 (MANE Select); coding-DNA position 2661, G replaced by A.
Protein change: p.Pro887=; no amino-acid change (proline 887 retained).
Molecular consequence: synonymous variant. On other transcripts: non-coding transcript variant (1).
Genome position (GRCh38, 1-based): chr2:11,824,671, G>A. VCF-style: chr2-11824671-G-A. GRCh37 (hg19) VCF-style: chr2-11964797-G-A.
Other names: c.2571G>A, p.Pro857= (NM_001261427.3); c.2808G>A, p.Pro936= (NM_001261428.3); c.2553G>A, p.Pro851= (NM_001349199.2, NM_145693.4); c.2631G>A, p.Pro877= (NM_001349200.2, NM_001349201.2); c.2658G>A, p.Pro886= (NM_001349202.2, NM_001349203.2); c.2661G>A, p.Pro887= (NM_001349204.2, NM_001349205.2); c.2751G>A, p.Pro917= (NM_001349207.2); c.2700G>A, p.Pro900= (NM_001349208.2).
Identifiers: ClinVar variation 330921 (VCV000330921.39), dbSNP rs114931326, ClinGen allele CA1534169.
Genomic context (GRCh38, chr2:11,824,671, plus strand): 5'-ACAATGTCCCTTTCCTTCCAGGTATGTGAGACTCTGTGAAGTAGTCGACCACGTTTTCCC[G>A]TTGCTGAAAAGAAGCCATTCTTCAGACTTTCCCTGTTCGGATACCTTCAGTAACTTCACC-3'
Protein context (NP_001336135.1, residues 877-897): RLCEVVDHVF[Pro887=]LLKRSHSSDF